The following is an entry in ClinVar:

NM_015192.4(PLCB1):c.3111+6C>T

Gene: PLCB1 (phospholipase C beta 1; plus strand). Cytogenetic location: 20p12.3.
Variant type: single nucleotide variant.
Coding change: c.3111+6C>T on transcript NM_015192.4 (MANE Select); 6 bases into the intron after coding-DNA position 3111, C replaced by T.
Molecular consequence: intron variant.
Genome position (GRCh38, 1-based): chr20:8,774,725, C>T. VCF-style: chr20-8774725-C-T. GRCh37 (hg19) VCF-style: chr20-8755372-C-T.
Other names: c.3111+6C>T (NM_182734.3).
Identifiers: ClinVar variation 1020423 (VCV001020423.5), dbSNP rs971351506, ClinGen allele CA311269246.
Genomic context (GRCh38, chr20:8,774,725, plus strand): 5'-TCGGCAAGAACAGTATTATAGTGAAAAATACCAGAAGCGAGAACATATTAAACTGGTGAG[C>T]CTGAGAAACATGATTTATGTTTGTGCAACTGGAACTCCCTTATAGGAAACTTTGGATACT-3'

ClinVar aggregate classification (germline): Uncertain significance (1 of 4 stars; one submission).

Conditions:
Developmental and epileptic encephalopathy, 12 (DEE12). Identifiers: MedGen C3150988, MONDO:0013389, OMIM 613722.

Allele frequency attached by ClinVar (database versions not stated): gnomAD exomes below 0.00001; gnomAD 0.00003 and 0.00005; TOPMed 0.00007.
gnomAD v4.1: 10 of 1,579,416 alleles (0.00063%); highest among the groups gnomAD compares: African/African-American, 0.012%; no homozygotes.

Submission:

Labcorp Genetics (formerly Invitae), Labcorp
Classification: Uncertain significance for Developmental and epileptic encephalopathy, 12. Last evaluated: 2025-10-13. Review status: criteria provided, single submitter. Criteria: Invitae Variant Classification Sherloc (09022015). Collection method: clinical testing. Allele origin: germline.
Comment: This sequence change falls in intron 27 of the PLCB1 gene. It does not directly change the encoded amino acid sequence of the PLCB1 protein. It affects a nucleotide within the consensus splice site. This variant is present in population databases (no rsID available, gnomAD 0.01%). This variant has not been reported in the literature in individuals affected with PLCB1-related conditions. ClinVar contains an entry for this variant (Variation ID: 1020423). Variants that disrupt the consensus splice site are a relatively common cause of aberrant splicing (PMID: 17576681, 9536098). Algorithms developed to predict the effect of sequence changes on RNA splicing suggest that this variant is not likely to affect RNA splicing. In summary, the available evidence is currently insufficient to determine the role of this variant in disease. Therefore, it has been classified as a Variant of Uncertain Significance.

Literature cited by the submitters: PubMed 17576681; PubMed 9536098.